The following is an entry in ClinVar:

NM_198253.3(TERT):c.1181T>A (p.Leu394Gln)

Gene: TERT (telomerase reverse transcriptase; minus strand). Cytogenetic location: 5p15.33.
Variant type: single nucleotide variant.
Coding change: c.1181T>A on transcript NM_198253.3 (MANE Select); coding-DNA position 1181, T replaced by A.
Protein change: p.Leu394Gln; replaces leucine 394 with glutamine.
Molecular consequence: missense variant. On other transcripts: non-coding transcript variant (2).
Genome position (GRCh38, 1-based): chr5:1,293,705, A>T on the plus strand (T>A on the coding strand, the complement: TERT is on the minus strand). VCF-style: chr5-1293705-A-T. GRCh37 (hg19) VCF-style: chr5-1293820-A-T.
Other names: c.1181T>A, p.Leu394Gln (NM_001193376.3); short protein forms L394Q.
Identifiers: ClinVar variation 1470964 (VCV001470964.11), dbSNP rs1357160289, ClinGen allele CA359086624.

ClinVar aggregate classification (germline): Conflicting classifications of pathogenicity. Review status: criteria provided, conflicting classifications (1 of 4 stars). 3 submissions from 3 submitters: Uncertain significance (1); Likely benign (2). Last evaluated 2026-01-19.

Conditions:
Dyskeratosis congenita, autosomal dominant 2. Identifiers: MedGen C3151443, MONDO:0013521, OMIM 613989.
Idiopathic Pulmonary Fibrosis. Also called: Idiopathic fibrosing alveolitis, chronic form; idiopathic fibrosing alveolitis. Identifiers: Orphanet 2032, MedGen C1800706, MeSH D054990, MONDO:0800504.
Dyskeratosis congenita. Identifiers: Orphanet 1775, MedGen C0265965, MONDO:0015780.

Allele frequency attached by ClinVar (database versions not stated): gnomAD exomes below 0.00001; gnomAD 0.00001; TOPMed 0.00002.
gnomAD v4.1: 3 of 1,574,558 alleles (0.00019%); highest among the groups gnomAD compares: African/African-American, 0.0027%; no homozygotes.

Submissions (3):

Labcorp Genetics (formerly Invitae), Labcorp
Classification: Likely benign for Dyskeratosis congenita, autosomal dominant 2; Idiopathic Pulmonary Fibrosis. Last evaluated: 2026-01-19. Review status: criteria provided, single submitter. Criteria: Invitae Variant Classification Sherloc (09022015). Collection method: clinical testing. Allele origin: germline.

GeneDx
Classification: Uncertain significance. Last evaluated: 2025-04-14. Review status: criteria provided, single submitter. Criteria: GeneDx Variant Classification Process June 2021. Collection method: clinical testing. Allele origin: germline. Affected: yes.
Comment: In silico analysis indicates that this missense variant does not alter protein structure/function; Has not been previously published as pathogenic or benign to our knowledge

Ambry Genetics
Classification: Likely benign for Dyskeratosis congenita. Last evaluated: 2022-01-11. Review status: criteria provided, single submitter. Criteria: Ambry Variant Classification Scheme 2023. Collection method: clinical testing. Allele origin: germline.